The following is an entry in ClinVar:

ClinVar aggregate classification (germline): Pathogenic (1 of 4 stars; one submission).

Conditions:
Autosomal recessive polycystic kidney disease (ARPKD). Also called: AR polycystic kidney disease. Identifiers: Orphanet 731, Orphanet 8378, MedGen C0085548, MeSH D017044, MONDO:0009889.

Submission:

Laboratory of Medical Genetics, National & Kapodistrian University of Athens
Classification: Pathogenic for Polycystic kidney disease 4. Last evaluated: 2018-10-18. Review status: criteria provided, single submitter. Criteria: ACMG Guidelines, 2015. Collection method: clinical testing. Allele origin: germline. Affected: yes.
Comment: PVS1, PM2, PP4

NM_138694.4(PKHD1):c.3907del (p.Val1303fs)

Gene: PKHD1 (PKHD1 ciliary IPT domain containing fibrocystin/polyductin; minus strand). Cytogenetic location: 6p12.2.
Variant type: Deletion.
Coding change: c.3907del on transcript NM_138694.4 (MANE Select); coding-DNA position 3907, one base deleted (G; older notation c.3907delG).
Protein change: p.Val1303fs; shifts the reading frame from valine 1303.
Molecular consequence: frameshift variant.
Genome position (GRCh38, 1-based): chr6:52,025,903, C deleted on the plus strand (G on the coding strand, the reverse complement: PKHD1 is on the minus strand). VCF-style (leftmost placement, unchanged base first): chr6-52025902-AC-A. GRCh37 (hg19) VCF-style: chr6-51890700-AC-A.
Other names: c.3907del, p.Val1303fs (NM_170724.3); short protein forms V1303fs.
Identifiers: ClinVar variation 637052 (VCV000637052.1), dbSNP rs1581812192, ClinGen allele CA915944276.